The following is an entry in ClinVar:

NM_003331.5(TYK2):c.386_391del (p.Gly129_Thr130del)

Gene: TYK2 (tyrosine kinase 2; minus strand). Cytogenetic location: 19p13.2.
Variant type: Deletion.
Coding change: c.386_391del on transcript NM_003331.5 (MANE Select); coding-DNA positions 386 to 391, 6 bases deleted (GAACCG; older notation c.386_391delGAACCG).
Protein change: p.Gly129_Thr130del.
Molecular consequence: inframe deletion.
Genome position (GRCh38, 1-based): chr19:10,368,129-10,368,134, CGGTTC deleted on the plus strand (GAACCG on the coding strand, the reverse complement: TYK2 is on the minus strand); deleting any 6 consecutive bases within chr19:10,368,129-10,368,135 gives the same sequence; the c. name uses the placement nearest the transcript's 3' end. VCF-style (leftmost placement, unchanged base first): chr19-10368128-TCGGTTC-T. GRCh37 (hg19) VCF-style: chr19-10478804-TCGGTTC-T.
Other names: c.386_391del (LRG_121t1).
Identifiers: ClinVar variation 536643 (VCV000536643.1), dbSNP rs1555720565, ClinGen allele CA658799145.

ClinVar aggregate classification (germline): Uncertain significance (1 of 4 stars; one submission).

Conditions:
Immunodeficiency 35 (IMD35). Also called: HIES WITH ATYPICAL MYCOBACTERIOSIS, AUTOSOMAL RECESSIVE; HYPER-IgE SYNDROME WITH ATYPICAL MYCOBACTERIOSIS, AUTOSOMAL RECESSIVE; TYK2 DEFICIENCY; Susceptibility to infection due to TYK2 deficiency. Identifiers: Orphanet 331226, MedGen C1969086, MONDO:0012682, OMIM 611521.

Submission:

Labcorp Genetics (formerly Invitae), Labcorp
Classification: Uncertain significance for Immunodeficiency 35. Last evaluated: 2017-11-02. Review status: criteria provided, single submitter. Criteria: Invitae Variant Classification Sherloc (09022015). Collection method: clinical testing. Allele origin: germline.
Comment: This variant, c.386_391del, results in the deletion of 2 amino acids of the TYK2 protein (p.Gly129_Thr130del), but otherwise preserves the integrity of the reading frame. This variant is not present in population databases (ExAC no frequency). This variant has not been reported in the literature in individuals with TYK2-related disease. Experimental studies and prediction algorithms are not available for this variant, and the functional significance of the deleted amino acids is currently unknown. In summary, the available evidence is currently insufficient to determine the role of this variant in disease. Therefore, it has been classified as a Variant of Uncertain Significance.